The following is an entry in ClinVar:

ClinVar aggregate classification (germline): Uncertain significance (1 of 4 stars; one submission).

Submission:

Labcorp Genetics (formerly Invitae), Labcorp
Classification: Uncertain significance. Last evaluated: 2022-10-04. Review status: criteria provided, single submitter. Criteria: Invitae Variant Classification Sherloc (09022015). Collection method: clinical testing. Allele origin: germline.
Comment: This sequence change replaces leucine, which is neutral and non-polar, with isoleucine, which is neutral and non-polar, at codon 465 of the HPS6 protein (p.Leu465Ile). This variant is not present in population databases (gnomAD no frequency). This variant has not been reported in the literature in individuals affected with HPS6-related conditions. Advanced modeling of protein sequence and biophysical properties (such as structural, functional, and spatial information, amino acid conservation, physicochemical variation, residue mobility, and thermodynamic stability) performed at Invitae indicates that this missense variant is not expected to disrupt HPS6 protein function. In summary, the available evidence is currently insufficient to determine the role of this variant in disease. Therefore, it has been classified as a Variant of Uncertain Significance.

NM_024747.6(HPS6):c.1393T>A (p.Leu465Ile)

Gene: HPS6 (HPS6 biogenesis of lysosomal organelles complex 2 subunit 3; plus strand). Cytogenetic location: 10q24.32.
Variant type: single nucleotide variant.
Coding change: c.1393T>A on transcript NM_024747.6 (MANE Select); coding-DNA position 1393, T replaced by A.
Protein change: p.Leu465Ile; replaces leucine 465 with isoleucine.
Molecular consequence: missense variant.
Genome position (GRCh38, 1-based): chr10:102,066,867, T>A. VCF-style: chr10-102066867-T-A. GRCh37 (hg19) VCF-style: chr10-103826624-T-A.
Other names: short protein forms L465I.
Identifiers: ClinVar variation 2111539 (VCV002111539.4), dbSNP rs2540987938, ClinGen allele CA377867069.